The following is an entry in ClinVar:

ClinVar aggregate classification (germline): Benign (1 of 4 stars; one submission).

Submission:

Laboratory for Molecular Medicine, Mass General Brigham Personalized Medicine
Classification: Benign. Last evaluated: 2016-03-29. Review status: criteria provided, single submitter. Criteria: LMM Criteria. Collection method: clinical testing. Allele origin: germline.
Comment: Variant identified in a genome or exome case(s) and assessed due to predicted null impact of the variant or pathogenic assertions in the literature or databases. Disclaimer: This variant has not undergone full assessment. The following are preliminary notes: Frequency

NM_001290321.3(DMXL1):c.4970+24del

Gene: DMXL1 (Dmx like 1; plus strand). Cytogenetic location: 5q23.1.
Variant type: Deletion.
Coding change: c.4970+24del on transcript NM_001290321.3 (MANE Select); 24 bases into the intron after coding-DNA position 4970, one base deleted (A; older notation c.4970+24delA).
Molecular consequence: intron variant.
Genome position (GRCh38, 1-based): chr5:119,165,304, A deleted; the last of 18 consecutive A bases (chr5:119,165,287-119,165,304); deleting any one gives the same sequence. VCF-style (leftmost placement, unchanged base first): chr5-119165286-TA-T. GRCh37 (hg19) VCF-style: chr5-118500981-TA-T.
Other names: c.4970+24del (NM_001349240.2, NM_005509.6, NM_001349239.2 and 2 more transcripts); c.3983+24del (NM_001387938.1); c.4265+24del (NM_001387937.1).
Identifiers: ClinVar variation 402595 (VCV000402595.4), dbSNP rs11301800, ClinGen allele CA3380257.